The following is an entry in ClinVar:

NM_001127222.2(CACNA1A):c.6050+23A>C

Gene: CACNA1A (calcium voltage-gated channel subunit alpha1 A; minus strand). Cytogenetic location: 19p13.13.
Variant type: single nucleotide variant.
Coding change: c.6050+23A>C on transcript NM_001127222.2 (MANE Select); 23 bases into the intron after coding-DNA position 6050, A replaced by C.
Molecular consequence: intron variant.
Genome position (GRCh38, 1-based): chr19:13,212,608, T>G on the plus strand (A>C on the coding strand, the complement: CACNA1A is on the minus strand). VCF-style: chr19-13212608-T-G. GRCh37 (hg19) VCF-style: chr19-13323422-T-G.
Other names: c.6053+23A>C (NM_001127221.2); c.6059+23A>C (NM_001174080.2); c.6068+23A>C (NM_000068.4, NM_023035.3).
Identifiers: ClinVar variation 1684091 (VCV001684091.3), dbSNP rs575642712, ClinGen allele CA9239495.

ClinVar aggregate classification (germline): Likely benign. Review status: criteria provided, multiple submitters, no conflicts (2 of 4 stars). 2 submissions from 2 submitters: Likely benign (2). Last evaluated 2021-11-15.

Allele frequency attached by ClinVar (database versions not stated): gnomAD exomes 0.00007 and 0.00010; gnomAD 0.00023 and 0.00024; ExAC 0.00025; TOPMed 0.00028; 1000 Genomes Project 30x 0.00062; 1000 Genomes Project 0.00080.
gnomAD v4.1: 135 of 1,509,676 alleles (0.0089%); highest among the groups gnomAD compares: Middle Eastern, 0.14%; no homozygotes.

Submissions (2):

GeneDx
Classification: Likely benign. Last evaluated: 2021-11-15. Review status: criteria provided, single submitter. Criteria: GeneDx Variant Classification Process June 2021. Collection method: clinical testing. Allele origin: germline. Affected: yes.
Comment: See Variant Classification Assertion Criteria.

Breakthrough Genomics
Classification: Likely benign. Review status: criteria provided, single submitter. Criteria: ACMG Guidelines, 2015. Collection method: not provided. Allele origin: germline. Inheritance: Autosomal dominant inheritance. Affected: yes.